The following is an entry in ClinVar:

ClinVar aggregate classification (germline): Uncertain significance (1 of 4 stars; one submission).

Conditions:
Koolen-de Vries syndrome (KDVS). Identifiers: Orphanet 96169, MedGen C1864871, MONDO:0012496, OMIM 610443.

Submission:

Labcorp Genetics (formerly Invitae), Labcorp
Classification: Uncertain significance for Koolen-de Vries syndrome. Last evaluated: 2018-10-20. Review status: criteria provided, single submitter. Criteria: Invitae Variant Classification Sherloc (09022015). Collection method: clinical testing. Allele origin: germline.
Comment: This variant has not been reported in the literature in individuals with KANSL1-related disease. This variant is not present in population databases (ExAC no frequency). This sequence change replaces serine with arginine at codon 359 of the KANSL1 protein (p.Ser359Arg). The serine residue is highly conserved and there is a moderate physicochemical difference between serine and arginine. Algorithms developed to predict the effect of missense changes on protein structure and function do not agree on the potential impact of this missense change (SIFT: "Tolerated"; PolyPhen-2: "Possibly Damaging"; Align-GVGD: "Class C15"). In summary, the available evidence is currently insufficient to determine the role of this variant in disease. Therefore, it has been classified as a Variant of Uncertain Significance.

NM_015443.4(KANSL1):c.1075A>C (p.Ser359Arg)

Gene: KANSL1 (KAT8 regulatory NSL complex subunit 1). Cytogenetic location: 17q21.31.
Variant type: single nucleotide variant.
Coding change: c.1075A>C on transcript NM_015443.4 (MANE Select); coding-DNA position 1075, A replaced by C.
Protein change: p.Ser359Arg; replaces serine 359 with arginine.
Molecular consequence: missense variant.
Genome position (GRCh38, 1-based): chr17:46,171,069, T>G on the plus strand (A>C on the coding strand, the complement: KANSL1 is on the minus strand). VCF-style: chr17-46171069-T-G. GRCh37 (hg19) VCF-style: chr17-44248435-T-G.
Other names: c.1075A>C, p.Ser359Arg (NM_001193465.2, NM_001193466.2, NM_001379198.1); short protein forms S359R.
Identifiers: ClinVar variation 468390 (VCV000468390.9), dbSNP rs1309097254, ClinGen allele CA399979392.